The following is an entry in ClinVar:

ClinVar aggregate classification (germline): Uncertain significance. Review status: criteria provided, multiple submitters, no conflicts (2 of 4 stars). 2 submissions from 2 submitters: Uncertain significance (2). Last evaluated 2025-01-21.

Conditions:
Inborn genetic diseases. Identifiers: MedGen C0950123, MeSH D030342.
Joubert syndrome. Also called: CEREBELLOPARENCHYMAL DISORDER IV; JOUBERT-BOLTSHAUSER SYNDROME; Familial aplasia of the vermis. Identifiers: Orphanet 475, MedGen C5979921, MONDO:0018772.
Meckel-Gruber syndrome. Also called: DYSENCEPHALIA SPLANCHNOCYSTICA; GRUBER SYNDROME; Dysencephalia splachnocystica. Identifiers: Orphanet 564, MedGen C0265215, MONDO:0018921.

Allele frequency attached by ClinVar (database versions not stated): gnomAD exomes below 0.00001.
gnomAD v4.1: 1 of 1,612,006 alleles (0.000062%); highest among the groups gnomAD compares: South Asian, 0.0011%; no homozygotes.

Submissions (2):

Ambry Genetics
Classification: Uncertain significance for Inborn genetic diseases. Last evaluated: 2025-01-21. Review status: criteria provided, single submitter. Criteria: Ambry Variant Classification Scheme 2023. Collection method: clinical testing. Allele origin: germline.

Labcorp Genetics (formerly Invitae), Labcorp
Classification: Uncertain significance for Joubert syndrome; Meckel-Gruber syndrome. Last evaluated: 2021-08-22. Review status: criteria provided, single submitter. Criteria: Invitae Variant Classification Sherloc (09022015). Collection method: clinical testing. Allele origin: germline.
Comment: This variant has not been reported in the literature in individuals affected with TCTN1-related conditions. Algorithms developed to predict the effect of missense changes on protein structure and function (SIFT, PolyPhen-2, Align-GVGD) all suggest that this variant is likely to be disruptive. In summary, the available evidence is currently insufficient to determine the role of this variant in disease. Therefore, it has been classified as a Variant of Uncertain Significance. This variant is not present in population databases (ExAC no frequency). This sequence change replaces alanine with glycine at codon 261 of the TCTN1 protein (p.Ala261Gly). The alanine residue is highly conserved and there is a small physicochemical difference between alanine and glycine.

NM_001082538.3(TCTN1):c.782C>G (p.Ala261Gly)

Gene: TCTN1 (tectonic family member 1; plus strand). Cytogenetic location: 12q24.11.
Variant type: single nucleotide variant.
Coding change: c.782C>G on transcript NM_001082538.3 (MANE Select); coding-DNA position 782, C replaced by G.
Protein change: p.Ala261Gly; replaces alanine 261 with glycine.
Molecular consequence: missense variant. On other transcripts: non-coding transcript variant (1), intron variant (1).
Genome position (GRCh38, 1-based): chr12:110,634,739, C>G. VCF-style: chr12-110634739-C-G. GRCh37 (hg19) VCF-style: chr12-111072544-C-G.
Other names: c.782C>G, p.Ala261Gly (NM_001082537.3, NM_001319680.2); c.614C>G, p.Ala205Gly (NM_001173975.3); c.602C>G, p.Ala201Gly (NM_001173976.2); c.248C>G, p.Ala83Gly (NM_001319681.2); c.780+276C>G (NM_024549.6); c.782C>G (NM_001082538.2); short protein forms A261G, A83G, A201G, A205G.
Identifiers: ClinVar variation 1436929 (VCV001436929.9), dbSNP rs2136070459, ClinGen allele CA386703875.